The following is an entry in ClinVar:

ClinVar aggregate classification (germline): Pathogenic/Likely pathogenic. Review status: criteria provided, multiple submitters, no conflicts (2 of 4 stars). 5 submissions from 5 submitters: Pathogenic (1); Likely pathogenic (3). 1 of the submissions does not count toward it. Last evaluated 2025-10-29.

Conditions:
Congenital lactic acidosis, Saguenay-Lac-Saint-Jean type (MC4DN5). Also called: MITOCHONDRIAL COMPLEX IV DEFICIENCY, NUCLEAR TYPE 5; CYTOCHROME c OXIDASE DEFICIENCY, FRENCH CANADIAN TYPE; COX DEFICIENCY, FRENCH CANADIAN TYPE. Identifiers: Orphanet 70472, MedGen C1857355, MONDO:0009069, OMIM 220111.

Allele frequency attached by ClinVar (database versions not stated): gnomAD exomes below 0.00001; TOPMed below 0.00001; gnomAD 0.00001.
gnomAD v4.1: 4 of 1,613,050 alleles (0.00025%); highest among the groups gnomAD compares: Non-Finnish European, 0.00034%; no homozygotes.

Submissions (5):

Variantyx, Inc.
Classification: Likely pathogenic for Congenital lactic acidosis, Saguenay-Lac-Saint-Jean type. Last evaluated: 2025-10-29. Review status: criteria provided, single submitter. Criteria: Variantyx Assertion Criteria 2022. Collection method: clinical testing. Allele origin: germline. Inheritance: Autosomal recessive inheritance. Affected: no.
Comment: This is a nonsense variant in the LRPPRC gene (OMIM: 607544). Pathogenic variants in this gene have been associated with autosomal recessive nuclear type 5 mitochondrial complex IV deficiency. This variant introduces a premature termination codon in exon 2 out of 38 and is expected to result in loss of function, which is a known disease mechanism for LRPPRC in this disorder (PMID: 26510951) (PVS1). This variant has a 0.0003% maximum allele frequency in non-founder control populations (PM2). Based on the current evidence, this variant is classified as likely pathogenic for autosomal recessive nuclear type 5 mitochondrial complex IV deficiency.

Natera, Inc.
Classification: Likely pathogenic for French-Canadian type Leigh syndrome. Last evaluated: 2025-10-20. Review status: criteria provided, single submitter. Criteria: Natera Variant Classification Schema (03/2026). Collection method: clinical testing. Allele origin: germline.
Comment: The c.254G>A variant in LRPPRC is a nonsense variant predicted to introduce a stop codon at amino acid 85. This variant is expected to result in nonsense mediated decay, truncation, or a dysfunctional protein product. This variant is rare in the general population with a frequency below the threshold expected for the associated phenotype(s). Given the available evidence, this variant is classified as Likely Pathogenic.

Fulgent Genetics
Classification: Likely pathogenic for Congenital lactic acidosis, Saguenay-Lac-Saint-Jean type. Last evaluated: 2024-05-04. Review status: criteria provided, single submitter. Criteria: ACMG Guidelines, 2015. Collection method: clinical testing. Allele origin: germline.

Labcorp Genetics (formerly Invitae), Labcorp
Classification: Pathogenic. Last evaluated: 2024-01-18. Review status: criteria provided, single submitter. Criteria: Invitae Variant Classification Sherloc (09022015). Collection method: clinical testing. Allele origin: germline.
Comment: This sequence change creates a premature translational stop signal (p.Trp85*) in the LRPPRC gene. It is expected to result in an absent or disrupted protein product. Loss-of-function variants in LRPPRC are known to be pathogenic (PMID: 26510951). This variant is present in population databases (no rsID available, gnomAD 0.0009%). This variant has not been reported in the literature in individuals affected with LRPPRC-related conditions. ClinVar contains an entry for this variant (Variation ID: 554468). For these reasons, this variant has been classified as Pathogenic.

Counsyl
Classification: Likely pathogenic for Congenital lactic acidosis, Saguenay-Lac-Saint-Jean type. Last evaluated: 2017-10-19. Review status: no assertion criteria provided. Collection method: clinical testing. Allele origin: unknown. Not counted in ClinVar's aggregate classification.

Literature cited by the submitters: PubMed 26510951 (cited by Variantyx, Inc. and Labcorp Genetics (formerly Invitae), Labcorp).

NM_133259.4(LRPPRC):c.254G>A (p.Trp85Ter)

Gene: LRPPRC (leucine rich pentatricopeptide repeat containing; minus strand). Cytogenetic location: 2p21.
Variant type: single nucleotide variant.
Coding change: c.254G>A on transcript NM_133259.4 (MANE Select); coding-DNA position 254, G replaced by A.
Protein change: p.Trp85Ter; replaces tryptophan 85 with a stop codon.
Molecular consequence: nonsense.
Genome position (GRCh38, 1-based): chr2:43,982,330, C>T on the plus strand (G>A on the coding strand, the complement: LRPPRC is on the minus strand). VCF-style: chr2-43982330-C-T. GRCh37 (hg19) VCF-style: chr2-44209469-C-T.
Other names: short protein forms W85*.
Identifiers: ClinVar variation 554468 (VCV000554468.10), dbSNP rs1453934366, ClinGen allele CA346678232.